The following is an entry in ClinVar:

ClinVar aggregate classification (germline): Conflicting classifications of pathogenicity. Review status: criteria provided, conflicting classifications (1 of 4 stars). 2 submissions from 2 submitters: Uncertain significance (1); Likely benign (1). Last evaluated 2025-01-15.

Conditions:
Alstrom syndrome (ALMS). Identifiers: Orphanet 64, MedGen C0268425, MONDO:0008763, OMIM 203800.
Cardiovascular phenotype. Identifiers: MedGen CN230736.

Allele frequency attached by ClinVar (database versions not stated): TOPMed 0.00001.
gnomAD v4.1: 15 of 1,613,542 alleles (0.00093%); highest among the groups gnomAD compares: South Asian, 0.0022%; 1 homozygote.

Submissions (2):

Ambry Genetics
Classification: Likely benign for Cardiovascular phenotype. Last evaluated: 2025-01-15. Review status: criteria provided, single submitter. Criteria: Ambry Variant Classification Scheme 2023. Collection method: clinical testing. Allele origin: germline.

Labcorp Genetics (formerly Invitae), Labcorp
Classification: Uncertain significance for Alstrom syndrome. Last evaluated: 2022-06-11. Review status: criteria provided, single submitter. Criteria: Invitae Variant Classification Sherloc (09022015). Collection method: clinical testing. Allele origin: germline.
Comment: This sequence change replaces alanine, which is neutral and non-polar, with valine, which is neutral and non-polar, at codon 1783 of the ALMS1 protein (p.Ala1783Val). This variant is not present in population databases (gnomAD no frequency). This variant has not been reported in the literature in individuals affected with ALMS1-related conditions. Experimental studies and prediction algorithms are not available or were not evaluated, and the functional significance of this variant is currently unknown. In summary, the available evidence is currently insufficient to determine the role of this variant in disease. Therefore, it has been classified as a Variant of Uncertain Significance.

NM_001378454.1(ALMS1):c.5345C>T (p.Ala1782Val)

Gene: ALMS1 (ALMS1 centrosome and basal body associated protein; plus strand). Cytogenetic location: 2p13.1.
Variant type: single nucleotide variant.
Coding change: c.5345C>T on transcript NM_001378454.1 (MANE Select); coding-DNA position 5345, C replaced by T.
Protein change: p.Ala1782Val; replaces alanine 1782 with valine.
Molecular consequence: missense variant.
Genome position (GRCh38, 1-based): chr2:73,451,872, C>T. VCF-style: chr2-73451872-C-T. GRCh37 (hg19) VCF-style: chr2-73678999-C-T.
Other names: c.5348C>T, p.Ala1783Val (NM_015120.4); short protein forms A1783V, A1782V.
Identifiers: ClinVar variation 2058990 (VCV002058990.2), dbSNP rs768400824, ClinGen allele CA50396600.